The following is an entry in ClinVar:

ClinVar aggregate classification (germline): Pathogenic (0 of 4 stars; one submission).

Conditions:
Pulmonary hypertension, primary, 1 (PPH1). Also called: Pulmonary hypertension, familial primary, 1, with or without HHT. Identifiers: Orphanet 422, MedGen C4552070, MONDO:0024533, OMIM 178600.

Submission:

Rare Disease Genomics Group, St George's University of London
Classification: Pathogenic for Primary pulmonary hypertension. Review status: no assertion criteria provided. Collection method: literature only. Allele origin: germline. Affected: yes.
Comment: Deletion of 5â€™UTR - exon 13

Literature cited by the submitters: PubMed 26387786.

NM_001204.6(BMPR2):c.(?_-540)_(*1_?)del

Genes: BMPR2 (bone morphogenetic protein receptor type 2; plus strand), LOC129935435 (ATAC-STARR-seq lymphoblastoid active region 17001; plus strand), LOC129935436 (ATAC-STARR-seq lymphoblastoid silent region 12245; plus strand). Cytogenetic location: 2q33.1-33.2.
Variant type: Deletion.
Coding change: c.(?_-540)_(*1_?)del on transcript NM_001204.6; a large deletion whose breakpoints are not mapped to the base.
Other names: c.?_-540_3117+?del (NM_001204.6); c.(?_-540)_(*1_?)del (LRG_712t1).
Identifiers: ClinVar variation 425670 (VCV000425670.1).